The following is an entry in ClinVar:

ClinVar aggregate classification (germline): Likely benign. Review status: criteria provided, multiple submitters, no conflicts (2 of 4 stars). 4 submissions from 4 submitters: Likely benign (4). Last evaluated 2025-09-08.

Conditions:
TUBB1-related disorder. Also called: TUBB1-related condition.

Allele frequency attached by ClinVar (database versions not stated): gnomAD 0.00001; ExAC 0.00003; 1000 Genomes Project 30x 0.00016; 1000 Genomes Project 0.00020.
gnomAD v4.1: 37 of 1,614,112 alleles (0.0023%); highest among the groups gnomAD compares: South Asian, 0.037%; no homozygotes.

Submissions (4):

Labcorp Genetics (formerly Invitae), Labcorp
Classification: Likely benign. Last evaluated: 2025-09-08. Review status: criteria provided, single submitter. Criteria: Invitae Variant Classification Sherloc (09022015). Collection method: clinical testing. Allele origin: germline.

Mayo Clinic Laboratories, Mayo Clinic
Classification: Likely benign. Last evaluated: 2025-06-27. Review status: criteria provided, single submitter. Criteria: ACMG Guidelines, 2015. Collection method: clinical testing. Allele origin: germline. Observed: 1 variant allele.
Comment: BP4, BP7

PreventionGenetics, part of Exact Sciences
Classification: Likely benign for TUBB1-related condition. Last evaluated: 2025-06-18. Review status: criteria provided, single submitter. Criteria: ACMG Guidelines, 2015. Collection method: clinical testing. Allele origin: germline.
Comment: This variant is classified as likely benign based on ACMG/AMP sequence variant interpretation guidelines (Richards et al. 2015 PMID: 25741868, with internal and published modifications).

Blueprint Genetics
Classification: Likely benign. Last evaluated: 2024-07-02. Review status: criteria provided, single submitter. Criteria: ACMG Guidelines, 2015. Collection method: clinical testing. Allele origin: germline.

NM_030773.4(TUBB1):c.57+10G>A

Gene: TUBB1 (tubulin beta 1 class VI; plus strand). Cytogenetic location: 20q13.32.
Variant type: single nucleotide variant.
Coding change: c.57+10G>A on transcript NM_030773.4 (MANE Select); 10 bases into the intron after coding-DNA position 57, G replaced by A.
Molecular consequence: intron variant.
Genome position (GRCh38, 1-based): chr20:59,019,589, G>A. VCF-style: chr20-59019589-G-A. GRCh37 (hg19) VCF-style: chr20-57594644-G-A.
Other names: p.?; c.57+10G>A (NM_030773.3).
Identifiers: ClinVar variation 2873391 (VCV002873391.6), dbSNP rs553990951, ClinGen allele CA9928329.